The following is an entry in ClinVar:

NM_000719.7(CACNA1C):c.3822A>G (p.Lys1274=)

Gene: CACNA1C (calcium voltage-gated channel subunit alpha1 C; plus strand). Cytogenetic location: 12p13.33.
Variant type: single nucleotide variant.
Coding change: c.3822A>G on transcript NM_000719.7 (MANE Select); coding-DNA position 3822, A replaced by G.
Protein change: p.Lys1274=; no amino-acid change (lysine 1274 retained).
Molecular consequence: synonymous variant.
Genome position (GRCh38, 1-based): chr12:2,612,007, A>G. VCF-style: chr12-2612007-A-G. GRCh37 (hg19) VCF-style: chr12-2721173-A-G.
Other names: c.3882A>G, p.Lys1294= (NM_001129827.2, NM_001129832.2, NM_199460.4); c.3822A>G, p.Lys1274= (NM_001129829.2, NM_001129830.3, NM_001129831.2 and 15 more transcripts); c.3813A>G, p.Lys1271= (NM_001129844.2).
Identifiers: ClinVar variation 391641 (VCV000391641.1), dbSNP rs1057524175, ClinGen allele CA16606581.

ClinVar aggregate classification (germline): Likely benign (1 of 4 stars; one submission).

Allele frequency attached by ClinVar (database versions not stated): gnomAD exomes below 0.00001.
gnomAD v4.1: 1 of 1,587,128 alleles (0.000063%); highest among the groups gnomAD compares: East Asian, 0.0022%; no homozygotes.

Submission:

GeneDx
Classification: Likely benign. Last evaluated: 2017-11-20. Review status: criteria provided, single submitter. Criteria: GeneDx Variant Classification (06012015). Collection method: clinical testing. Allele origin: germline. Affected: yes.
Comment: This variant is considered likely benign or benign based on one or more of the following criteria: it is a conservative change, it occurs at a poorly conserved position in the protein, it is predicted to be benign by multiple in silico algorithms, and/or has population frequency not consistent with disease.